The following is an entry in ClinVar:

ClinVar aggregate classification (germline): Uncertain significance (1 of 4 stars; one submission).

Allele frequency attached by ClinVar (database versions not stated): ExAC 0.00003; gnomAD exomes 0.00004 and 0.00008; gnomAD 0.00007; ESP Exome Variant Server 0.00008; TOPMed 0.00008.
gnomAD v4.1: 123 of 1,613,150 alleles (0.0076%); highest among the groups gnomAD compares: Non-Finnish European, 0.0099%; no homozygotes.

Submission:

Laboratory for Molecular Medicine, Mass General Brigham Personalized Medicine
Classification: Uncertain significance. Last evaluated: 2018-10-04. Review status: criteria provided, single submitter. Criteria: LMM Criteria. Collection method: clinical testing. Allele origin: germline. Observed: 1 variant allele.
Comment: The c.790-3C>T variant in ADCY1 has not been previously reported in individuals with hearing loss, but has been identified in (0.008%) 11/124182 of European chr omosomes by gnomAD. This variant is located i n the 3' splice region. Computational tools do not suggest an impact to splicing , though this information is not predictive enough to rule out pathogenicity. In summary, the clinical significance of this variant is uncertain. ACMG/AMP Crite ria applied: PM2, BP4.

NM_021116.4(ADCY1):c.790-3C>T

Gene: ADCY1 (adenylate cyclase 1; plus strand). Cytogenetic location: 7p12.3.
Variant type: single nucleotide variant.
Coding change: c.790-3C>T on transcript NM_021116.4 (MANE Select); 3 bases into the intron before coding-DNA position 790, C replaced by T.
Molecular consequence: intron variant.
Genome position (GRCh38, 1-based): chr7:45,610,376, C>T. VCF-style: chr7-45610376-C-T. GRCh37 (hg19) VCF-style: chr7-45649975-C-T.
Other names: c.115-3C>T (NM_001281768.2).
Identifiers: ClinVar variation 667184 (VCV000667184.4), dbSNP rs76595582, ClinGen allele CA4248777.
Genomic context (GRCh38, chr7:45,610,376, plus strand): 5'-AGGTGAGGAGGAGTGGAGGGAGGGGGCCCTGCTGTCTAACCCGGGCCCTTCTCTTCTGTC[C>T]AGGAGCGGCTCCTCATGAGCCTCCTGCCCCGGAACGTTGCCATGGAGATGAAGGAGGACT-3'